The following is an entry in ClinVar:

NM_017636.4(TRPM4):c.2764A>G (p.Ile922Val)

Gene: TRPM4 (transient receptor potential cation channel subfamily M member 4; plus strand). Cytogenetic location: 19q13.33.
Variant type: single nucleotide variant.
Coding change: c.2764A>G on transcript NM_017636.4 (MANE Select); coding-DNA position 2764, A replaced by G.
Protein change: p.Ile922Val; replaces isoleucine 922 with valine.
Molecular consequence: missense variant.
Genome position (GRCh38, 1-based): chr19:49,200,418, A>G. VCF-style: chr19-49200418-A-G. GRCh37 (hg19) VCF-style: chr19-49703675-A-G.
Other names: c.2764A>G (NM_017636.3); c.2329A>G, p.Ile777Val (NM_001195227.2); c.2419A>G, p.Ile807Val (NM_001321281.2); c.1156A>G, p.Ile386Val (NM_001321282.2); c.2242A>G, p.Ile748Val (NM_001321283.2); c.1702A>G, p.Ile568Val (NM_001321285.2); short protein forms I386V, I568V, I748V, I777V, I807V, I922V.
Identifiers: ClinVar variation 2734960 (VCV002734960.4), dbSNP rs2514201068, ClinGen allele CA406810649.

ClinVar aggregate classification (germline): Uncertain significance. Review status: criteria provided, multiple submitters, no conflicts (2 of 4 stars). 2 submissions from 2 submitters: Uncertain significance (2). Last evaluated 2024-06-14.

Conditions:
Cardiovascular phenotype. Identifiers: MedGen CN230736.
Progressive familial heart block type IB (PFHB1B). Identifiers: Orphanet 871, MedGen C1970298, MONDO:0011474, OMIM 604559.

Allele frequency attached by ClinVar (database versions not stated): gnomAD exomes below 0.00001.
gnomAD v4.1: 5 of 1,577,108 alleles (0.00032%); highest among the groups gnomAD compares: Non-Finnish European, 0.00043%; no homozygotes.

Submissions (2):

Ambry Genetics
Classification: Uncertain significance for Cardiovascular phenotype. Last evaluated: 2024-06-14. Review status: criteria provided, single submitter. Criteria: Ambry Variant Classification Scheme 2023. Collection method: clinical testing. Allele origin: germline.
Comment: The p.I922V variant (also known as c.2764A>G), located in coding exon 18 of the TRPM4 gene, results from an A to G substitution at nucleotide position 2764. The isoleucine at codon 922 is replaced by valine, an amino acid with highly similar properties. This amino acid position is conserved. In addition, this alteration is predicted to be tolerated by in silico analysis. Based on the available evidence, the clinical significance of this variant remains unclear.

Labcorp Genetics (formerly Invitae), Labcorp
Classification: Uncertain significance for Progressive familial heart block type IB. Last evaluated: 2024-04-22. Review status: criteria provided, single submitter. Criteria: Invitae Variant Classification Sherloc (09022015). Collection method: clinical testing. Allele origin: germline.
Comment: This sequence change replaces isoleucine, which is neutral and non-polar, with valine, which is neutral and non-polar, at codon 922 of the TRPM4 protein (p.Ile922Val). This variant is not present in population databases (gnomAD no frequency). This variant has not been reported in the literature in individuals affected with TRPM4-related conditions. An algorithm developed to predict the effect of missense changes on protein structure and function (PolyPhen-2) suggests that this variant is likely to be disruptive. In summary, the available evidence is currently insufficient to determine the role of this variant in disease. Therefore, it has been classified as a Variant of Uncertain Significance.